The following is an entry in ClinVar:

ClinVar aggregate classification (germline): Uncertain significance. Review status: criteria provided, multiple submitters, no conflicts (2 of 4 stars). 3 submissions from 3 submitters: Uncertain significance (3). Last evaluated 2025-03-11.

Conditions:
Inborn genetic diseases. Identifiers: MedGen C0950123, MeSH D030342.
Baller-Gerold syndrome (BGS). Also called: CRANIOSYNOSTOSIS WITH RADIAL DEFECTS. Identifiers: Orphanet 1225, MedGen C0265308, MONDO:0009039, OMIM 218600.

gnomAD v4.1: 3 of 1,610,104 alleles (0.00019%); highest among the groups gnomAD compares: Middle Eastern, 0.05%; no homozygotes.

Submissions (3):

Labcorp Genetics (formerly Invitae), Labcorp
Classification: Uncertain significance for Baller-Gerold syndrome. Last evaluated: 2025-03-11. Review status: criteria provided, single submitter. Criteria: Invitae Variant Classification Sherloc (09022015). Collection method: clinical testing. Allele origin: germline.
Comment: This sequence change replaces aspartic acid, which is acidic and polar, with asparagine, which is neutral and polar, at codon 1102 of the RECQL4 protein (p.Asp1102Asn). This variant is not present in population databases (gnomAD no frequency). This variant has not been reported in the literature in individuals affected with RECQL4-related conditions. ClinVar contains an entry for this variant (Variation ID: 1407980). Invitae Evidence Modeling of protein sequence and biophysical properties (such as structural, functional, and spatial information, amino acid conservation, physicochemical variation, residue mobility, and thermodynamic stability) indicates that this missense variant is not expected to disrupt RECQL4 protein function with a negative predictive value of 80%. In summary, the available evidence is currently insufficient to determine the role of this variant in disease. Therefore, it has been classified as a Variant of Uncertain Significance.

Ambry Genetics
Classification: Uncertain significance for Inborn genetic diseases. Last evaluated: 2025-02-08. Review status: criteria provided, single submitter. Criteria: Ambry Variant Classification Scheme 2023. Collection method: clinical testing. Allele origin: germline.
Comment: The p.D1102N variant (also known as c.3304G>A), located in coding exon 19 of the RECQL4 gene, results from a G to A substitution at nucleotide position 3304. The aspartic acid at codon 1102 is replaced by asparagine, an amino acid with highly similar properties. This amino acid position is conserved. Based on the available evidence, the clinical significance of this variant remains unclear.

Revvity Omics, Revvity
Classification: Uncertain significance. Last evaluated: 2022-03-29. Review status: criteria provided, single submitter. Criteria: ACMG Guidelines, 2015. Collection method: clinical testing. Allele origin: germline.

NM_004260.4(RECQL4):c.3304G>A (p.Asp1102Asn)

Gene: RECQL4 (RecQ like helicase 4; minus strand). Cytogenetic location: 8q24.3.
Variant type: single nucleotide variant.
Coding change: c.3304G>A on transcript NM_004260.4 (MANE Select); coding-DNA position 3304, G replaced by A.
Protein change: p.Asp1102Asn; replaces aspartic acid 1102 with asparagine.
Molecular consequence: missense variant.
Genome position (GRCh38, 1-based): chr8:144,512,000, C>T on the plus strand (G>A on the coding strand, the complement: RECQL4 is on the minus strand). VCF-style: chr8-144512000-C-T. GRCh37 (hg19) VCF-style: chr8-145737383-C-T.
Other names: c.3304G>A (NM_004260.3); short protein forms D1102N.
Identifiers: ClinVar variation 1407980 (VCV001407980.9), dbSNP rs1422371025, ClinGen allele CA372668862.